The following is an entry in ClinVar:

NM_152703.5(SAMD9L):c.553C>A (p.Pro185Thr)

Gene: SAMD9L (sterile alpha motif domain containing 9 like; minus strand). Cytogenetic location: 7q21.2.
Variant type: single nucleotide variant.
Coding change: c.553C>A on transcript NM_152703.5 (MANE Select); coding-DNA position 553, C replaced by A.
Protein change: p.Pro185Thr; replaces proline 185 with threonine.
Molecular consequence: missense variant.
Genome position (GRCh38, 1-based): chr7:93,135,419, G>T on the plus strand (C>A on the coding strand, the complement: SAMD9L is on the minus strand). VCF-style: chr7-93135419-G-T. GRCh37 (hg19) VCF-style: chr7-92764732-G-T.
Other names: c.553C>A, p.Pro185Thr (NM_001303496.3, NM_001303497.3, NM_001303498.3 and 5 more transcripts); short protein forms P185T.
Identifiers: ClinVar variation 3792400 (VCV003792400.1).

ClinVar aggregate classification (germline): Uncertain significance (1 of 4 stars; one submission).

Conditions:
Inborn genetic diseases. Identifiers: MedGen C0950123, MeSH D030342.

Submission:

Ambry Genetics
Classification: Uncertain significance for Inborn genetic diseases. Last evaluated: 2025-02-08. Review status: criteria provided, single submitter. Criteria: Ambry Variant Classification Scheme 2023. Collection method: clinical testing. Allele origin: germline.
Comment: The p.P185T variant (also known as c.553C>A), located in coding exon 1 of the SAMD9L gene, results from a C to A substitution at nucleotide position 553. The proline at codon 185 is replaced by threonine, an amino acid with highly similar properties. This amino acid position is conserved. In addition, this alteration is predicted to be tolerated by in silico analysis. Based on the available evidence, the clinical significance of this variant remains unclear.